The following is an entry in ClinVar:

NM_198578.4(LRRK2):c.5921T>C (p.Ile1974Thr)

Gene: LRRK2 (leucine rich repeat kinase 2; plus strand). Cytogenetic location: 12q12.
Variant type: single nucleotide variant.
Coding change: c.5921T>C on transcript NM_198578.4 (MANE Select); coding-DNA position 5921, T replaced by C.
Protein change: p.Ile1974Thr; replaces isoleucine 1974 with threonine.
Molecular consequence: missense variant.
Genome position (GRCh38, 1-based): chr12:40,335,130, T>C. VCF-style: chr12-40335130-T-C. GRCh37 (hg19) VCF-style: chr12-40728932-T-C.
Other names: short protein forms I1974T.
Identifiers: ClinVar variation 3229716 (VCV003229716.1), dbSNP rs1945829224, ClinGen allele CA384402417.

ClinVar aggregate classification (germline): Uncertain significance (1 of 4 stars; one submission).

Conditions:
Inborn genetic diseases. Identifiers: MedGen C0950123, MeSH D030342.

Allele frequency attached by ClinVar (database versions not stated): gnomAD exomes below 0.00001; TOPMed below 0.00001.
gnomAD v4.1: 2 of 1,614,068 alleles (0.00012%); highest among the groups gnomAD compares: East Asian, 0.0022%; no homozygotes.

Submission:

Ambry Genetics
Classification: Uncertain significance for Inborn genetic diseases. Last evaluated: 2023-11-11. Review status: criteria provided, single submitter. Criteria: Ambry Variant Classification Scheme 2023. Collection method: clinical testing. Allele origin: germline.
Comment: The p.I1974T variant (also known as c.5921T>C), located in coding exon 40 of the LRRK2 gene, results from a T to C substitution at nucleotide position 5921. The isoleucine at codon 1974 is replaced by threonine, an amino acid with similar properties. This amino acid position is conserved. In addition, this alteration is predicted to be deleterious by in silico analysis. Since supporting evidence is limited at this time, the clinical significance of this alteration remains unclear.